The following is an entry in ClinVar:

NM_001303457.2(TTI1):c.3241G>A (p.Val1081Met)

Gene: TTI1 (TELO2 interacting protein 1; minus strand). Cytogenetic location: 20q11.23.
Variant type: single nucleotide variant.
Coding change: c.3241G>A on transcript NM_001303457.2 (MANE Select); coding-DNA position 3241, G replaced by A.
Protein change: p.Val1081Met; replaces valine 1081 with methionine.
Molecular consequence: missense variant.
Genome position (GRCh38, 1-based): chr20:37,983,485, C>T on the plus strand (G>A on the coding strand, the complement: TTI1 is on the minus strand). VCF-style: chr20-37983485-C-T. GRCh37 (hg19) VCF-style: chr20-36611887-C-T.
Other names: NM_014657.3:c.3241G>A; c.3241G>A, p.Val1081Met (NM_014657.3); short protein forms V1081M.
Identifiers: ClinVar variation 4819590 (VCV004819590.1).

ClinVar aggregate classification (germline): Uncertain significance (1 of 4 stars; one submission).

Conditions:
Neurodevelopmental disorder. Identifiers: MedGen C1535926, MeSH D065886, MONDO:0700092.

gnomAD v4.1: 6 of 1,611,296 alleles (0.00037%); highest among the groups gnomAD compares: African/African-American, 0.0013%; no homozygotes.

Submission:

Broad Center for Mendelian Genomics, Broad Institute of MIT and Harvard
Classification: Uncertain significance for Neurodevelopmental disorder. Last evaluated: 2026-03-05. Review status: criteria provided, single submitter. Criteria: ACMG Guidelines, 2015. Collection method: research. Allele origin: germline. Inheritance: Autosomal recessive inheritance. Study: GREGoR Consortium.
Comment: The p.Val1081Met variant in TTI1 has been reported in 1 individual with neurodevelopmental disorder (Serey-Gaut 2023 PMID: 36724785). It has also been identified in 0.0009% (1/112356) of European (non-Finnish) chromosomes by gnomAD. However, this frequency is low enough to be consistent with a recessive allele frequency. Computational prediction tools and conservation analyses do not provide strong support for or against an impact to the protein. In summary, the clinical significance of this variant is uncertain. ACMG/AMP Criteria applied: PM2_Supporting.